The following is an entry in ClinVar:

ClinVar aggregate classification (germline): Uncertain significance (1 of 4 stars; one submission).

gnomAD v4.1: 1 of 1,603,208 alleles (0.000062%); highest among the groups gnomAD compares: Non-Finnish European, 0.000085%; no homozygotes.

Submission:

GeneDx
Classification: Uncertain significance. Last evaluated: 2022-02-22. Review status: criteria provided, single submitter. Criteria: GeneDx Variant Classification Process June 2021. Collection method: clinical testing. Allele origin: germline. Affected: yes.
Comment: Not observed at significant frequency in large population cohorts (gnomAD); In silico analysis supports that this missense variant has a deleterious effect on protein structure/function; Has not been previously published as pathogenic or benign to our knowledge

NM_006079.5(CITED2):c.80G>T (p.Arg27Leu)

Gene: CITED2 (Cbp/p300 interacting transactivator with Glu/Asp rich carboxy-terminal domain 2; minus strand). Cytogenetic location: 6q24.1.
Variant type: single nucleotide variant.
Coding change: c.80G>T on transcript NM_006079.5 (MANE Select); coding-DNA position 80, G replaced by T.
Protein change: p.Arg27Leu; replaces arginine 27 with leucine.
Molecular consequence: missense variant.
Genome position (GRCh38, 1-based): chr6:139,373,865, C>A on the plus strand (G>T on the coding strand, the complement: CITED2 is on the minus strand). VCF-style: chr6-139373865-C-A. GRCh37 (hg19) VCF-style: chr6-139695002-C-A.
Other names: c.80G>T, p.Arg27Leu (NM_001168388.3); c.95G>T, p.Arg32Leu (NM_001168389.3); short protein forms R27L, R32L.
Identifiers: ClinVar variation 1702830 (VCV001702830.2), dbSNP rs1176150698, ClinGen allele CA365878061.